The following is an entry in ClinVar:

ClinVar aggregate classification (germline): Pathogenic (1 of 4 stars; one submission).

Conditions:
Multiple congenital anomalies-hypotonia-seizures syndrome 1 (MCAHS1). Also called: PIGN-CDG; Congenital disorder of glycosylation due to PIGN deficiency; GLYCOSYLPHOSPHATIDYLINOSITOL BIOSYNTHESIS DEFECT 3. Identifiers: Orphanet 280633, MedGen C3279775, MONDO:0013563, OMIM 614080.

Submission:

Labcorp Genetics (formerly Invitae), Labcorp
Classification: Pathogenic for Multiple congenital anomalies-hypotonia-seizures syndrome 1. Last evaluated: 2023-05-27. Review status: criteria provided, single submitter. Criteria: Invitae Variant Classification Sherloc (09022015). Collection method: clinical testing. Allele origin: germline.
Comment: For these reasons, this variant has been classified as Pathogenic. This variant disrupts a region of the PIGN protein in which other variant(s) (p.Ser893Arg) have been determined to be pathogenic (PMID: 35179230, 36322149). This suggests that this is a clinically significant region of the protein, and that variants that disrupt it are likely to be disease-causing. Algorithms developed to predict the effect of sequence changes on RNA splicing suggest that this variant may disrupt the consensus splice site. This variant has not been reported in the literature in individuals affected with PIGN-related conditions. This variant is not present in population databases (gnomAD no frequency). This sequence change creates a premature translational stop signal (p.Gly883Argfs*5) in the PIGN gene. While this is not anticipated to result in nonsense mediated decay, it is expected to disrupt the last 49 amino acid(s) of the PIGN protein.

Literature cited by the submitters: PubMed 35179230; PubMed 36322149.

NM_176787.5(PIGN):c.2646_2647insA (p.Gly883fs)

Gene: PIGN (phosphatidylinositol glycan anchor biosynthesis class N; minus strand). Cytogenetic location: 18q21.33.
Variant type: Insertion.
Coding change: c.2646_2647insA on transcript NM_176787.5 (MANE Select); coding-DNA positions 2646 to 2647, A inserted.
Protein change: p.Gly883fs; shifts the reading frame from glycine 883.
Molecular consequence: frameshift variant.
Genome position: GRCh38 VCF-style: chr18-62072698-C-CT. GRCh37 (hg19) VCF-style: chr18-59739931-C-CT.
Other names: c.2646_2647insA, p.Gly883fs (NM_012327.6); short protein forms G883fs.
Identifiers: ClinVar variation 2735265 (VCV002735265.3), dbSNP rs2512184365, ClinGen allele CA2697555563.